The following is an entry in ClinVar:

NM_001142864.4(PIEZO1):c.6494AGA[4] (p.Lys2169del)

Gene: PIEZO1 (piezo type mechanosensitive ion channel component 1 (Er blood group); minus strand). Cytogenetic location: 16q24.3.
Variant type: Microsatellite.
Coding change: c.6494AGA[4] on transcript NM_001142864.4 (MANE Select); four copies in a row of the 3-base unit AGA starting at c.6494; the reference has five copies in a row; one copy, 3 bases deleted; also written c.6506_6508del.
Protein change: p.Lys2169del; deletes lysine 2169.
Molecular consequence: inframe deletion.
Genome position (GRCh38, 1-based): chr16:88,717,175-88,717,177, TCT deleted on the plus strand (AGA on the coding strand, the reverse complement: PIEZO1 is on the minus strand); deleting any 3 consecutive bases within chr16:88,717,175-88,717,189 gives the same sequence; the position shown is the placement nearest the transcript's 3' end. VCF-style (leftmost placement, unchanged base first): chr16-88717174-ATCT-A. GRCh37 (hg19) VCF-style: chr16-88783582-ATCT-A.
Other names: p.Lys2169del; c.6506_6508delAGA (NM_001142864.3, NM_001142864.2); c.6506_6508del (NM_001142864.4); short protein forms K2169del.
Identifiers: ClinVar variation 773058 (VCV000773058.34), dbSNP rs763477215, ClinGen allele CA8231564.
Genomic context (GRCh38, chr16:88,717,174, plus strand): 5'-GGGAACCAGATGATGGCGATGAGGAAGAGGATGATGAGGCCACCCATGCCGTACTTGACG[ATCT>A]TCTTCTTCTTCTGCCCTTTGGGCTGCGGGTATTTCTGGAGGGGAACGACACAGGTCATAC-3'

ClinVar aggregate classification (germline): Conflicting classifications of pathogenicity. Review status: criteria provided, conflicting classifications (1 of 4 stars). 7 submissions from 7 submitters: Uncertain significance (2); Benign (1); Likely benign (3). 1 of the submissions does not count toward it. Last evaluated 2025-11-01.

Conditions:
PIEZO1-related disorder. Also called: PIEZO1-related condition; PIEZO1-Related Disorders.
Dehydrated hereditary stomatocytosis with or without pseudohyperkalemia and/or perinatal edema (DHS1). Also called: PSEUDOHYPERKALEMIA EDINBURGH; DEHYDRATED HEREDITARY STOMATOCYTOSIS AND PSEUDOHYPERKALEMIA; DEHYDRATED HEREDITARY STOMATOCYTOSIS WITH PSEUDOHYPERKALEMIA AND PERINATAL EDEMA; Pseudohyperkalemia, familial, 1, due to red cell leak; Dehydrated hereditary stomatocytosis 1 with or without pseudohyperkalemia and/or perinatal edema. Identifiers: Orphanet 3202, MedGen C4551512, MONDO:0008689, OMIM 194380.
Lymphatic malformation 6 (LMPHM6). Also called: PIEZO1-related generalized lymphatic dysplasia with non-immune hydrops fetalis; GENERALIZED LYMPHATIC DYSPLASIA OF FOTIOU; Lymphedema, hereditary, III. Identifiers: Orphanet 568062, MedGen C4225184, MONDO:0014797, OMIM 616843.

Submissions (7):

CeGaT Center for Human Genetics Tuebingen
Classification: Likely benign. Last evaluated: 2025-11-01. Review status: criteria provided, single submitter. Criteria: CeGaT Center For Human Genetics Tuebingen Variant Classification Criteria Version 2. Collection method: clinical testing. Allele origin: germline. Affected: yes. Observed: 2 variant alleles.
Comment: PIEZO1: BS1

Labcorp Genetics (formerly Invitae), Labcorp
Classification: Benign. Last evaluated: 2025-10-21. Review status: criteria provided, single submitter. Criteria: Invitae Variant Classification Sherloc (09022015). Collection method: clinical testing. Allele origin: germline.

Mayo Clinic Laboratories, Mayo Clinic
Classification: Uncertain significance. Last evaluated: 2025-09-30. Review status: criteria provided, single submitter. Criteria: ACMG Guidelines, 2015. Collection method: clinical testing. Allele origin: germline. Observed: 9 variant alleles.

ARUP Laboratories, Molecular Genetics and Genomics, ARUP Laboratories
Classification: Likely benign. Last evaluated: 2025-01-02. Review status: criteria provided, single submitter. Criteria: ARUP Molecular Germline Variant Investigation Process 2024. Collection method: clinical testing. Allele origin: germline.

GeneDx
Classification: Uncertain significance. Last evaluated: 2023-12-02. Review status: criteria provided, single submitter. Criteria: GeneDx Variant Classification Process June 2021. Collection method: clinical testing. Allele origin: germline. Affected: yes.
Comment: Reported as heterozygous, using c.6495-6508delAGA as alternate nomenclature, in a patient with dehydrated hereditary stomatocytosis (PMID: 23479567); In-frame deletion of 1 amino acids in a non-repeat region; In silico analysis supports a deleterious effect on protein structure/function; This variant is associated with the following publications: (PMID: 34426522, 23479567)

Department of Pathology and Laboratory Medicine, Sinai Health System
Classification: Likely benign for Dehydrated hereditary stomatocytosis with or without pseudohyperkalemia and/or perinatal edema; Lymphatic malformation 6. Last evaluated: 2021-07-30. Review status: criteria provided, single submitter. Criteria: ACMG Guidelines, 2015. Collection method: research. Allele origin: germline.

PreventionGenetics, part of Exact Sciences
Classification: Likely benign for PIEZO1-related condition. Last evaluated: 2021-03-25. Review status: no assertion criteria provided. Collection method: clinical testing. Allele origin: germline. Not counted in ClinVar's aggregate classification.
Comment: This variant is classified as likely benign based on ACMG/AMP sequence variant interpretation guidelines (Richards et al. 2015 PMID: 25741868, with internal and published modifications).